The following is an entry in ClinVar:

ClinVar aggregate classification (germline): Likely pathogenic (1 of 4 stars; one submission).

Submission:

GeneDx
Classification: Likely pathogenic. Last evaluated: 2026-10-13. Review status: criteria provided, single submitter. Criteria: GeneDx Variant Classification Process June 2021. Collection method: clinical testing. Allele origin: germline.
Comment: Not observed at significant frequency in large population cohorts (gnomAD); In silico analysis supports that this missense variant has a deleterious effect on protein structure/function; Has not been previously published as pathogenic or benign to our knowledge

NM_002465.4(MYBPC1):c.779G>A (p.Arg260His)

Gene: MYBPC1 (myosin binding protein C1; plus strand). Cytogenetic location: 12q23.2.
Variant type: single nucleotide variant.
Coding change: c.779G>A on transcript NM_002465.4 (MANE Select); coding-DNA position 779, G replaced by A.
Protein change: p.Arg260His; replaces arginine 260 with histidine.
Molecular consequence: missense variant.
Genome position (GRCh38, 1-based): chr12:101,642,532, G>A. VCF-style: chr12-101642532-G-A. GRCh37 (hg19) VCF-style: chr12-102036310-G-A.
Other names: c.704G>A, p.Arg235His (NM_001254718.3, NM_001254719.3, NM_206820.4 and 1 more transcripts); c.668G>A, p.Arg223His (NM_001254720.3); c.647G>A, p.Arg216His (NM_001254721.3, NM_001404676.1, NM_001404678.1); c.626G>A, p.Arg209His (NM_001254722.3, NM_001404680.1); c.665G>A, p.Arg222His (NM_001254723.3); c.779G>A, p.Arg260His (NM_001404675.1, NM_206819.4); c.569G>A, p.Arg190His (NM_001404677.1, NM_001404679.1, NM_001404681.1); short protein forms R190H, R209H, R216H, R222H, R223H, R235H, R260H.
Identifiers: ClinVar variation 4888013 (VCV004888013.2).